The following is an entry in ClinVar:

NM_003718.5(CDK13):c.3251G>A (p.Gly1084Glu)

Gene: CDK13 (cyclin dependent kinase 13; plus strand). Cytogenetic location: 7p14.1.
Variant type: single nucleotide variant.
Coding change: c.3251G>A on transcript NM_003718.5 (MANE Select); coding-DNA position 3251, G replaced by A.
Protein change: p.Gly1084Glu; replaces glycine 1084 with glutamic acid.
Molecular consequence: missense variant. On other transcripts: intron variant (1).
Genome position (GRCh38, 1-based): chr7:40,092,800, G>A. VCF-style: chr7-40092800-G-A. GRCh37 (hg19) VCF-style: chr7-40132399-G-A.
Other names: c.3236-165G>A (NM_031267.3); short protein forms G1084E.
Identifiers: ClinVar variation 4881366 (VCV004881366.2).

ClinVar aggregate classification (germline): Uncertain significance (1 of 4 stars; one submission).

Submission:

Dasa
Classification: Uncertain significance. Last evaluated: 2024-12-05. Review status: criteria provided, single submitter. Criteria: DASA Assertion Criteria. Collection method: clinical testing. Allele origin: germline.
Comment: NM_003718.5(CDK13):c.3251G>A (p.Gly1084Glu) is a missense variant that results in the substitution of glycine with glutamic acid. This variant is absent from population databases. Computational prediction algorithms are consistent with a benign effect. The currently available literature and clinical evidence are not sufficient to establish a definitive association between this variant and the reported condition. Therefore, this variant is classified as a variant of uncertain significance.